The following is an entry in ClinVar:

ClinVar aggregate classification (germline): Uncertain significance (1 of 4 stars; one submission).

Submission:

CeGaT Center for Human Genetics Tuebingen
Classification: Uncertain significance. Last evaluated: 2022-10-01. Review status: criteria provided, single submitter. Criteria: CeGaT Center For Human Genetics Tuebingen Variant Classification Criteria Version 2. Collection method: clinical testing. Allele origin: germline. Affected: yes. Observed: 1 variant allele.
Comment: CUL1: PM2, PP2, PP3

NM_003592.3(CUL1):c.1627G>A (p.Gly543Arg)

Gene: CUL1 (cullin 1; plus strand). Cytogenetic location: 7q36.1.
Variant type: single nucleotide variant.
Coding change: c.1627G>A on transcript NM_003592.3 (MANE Select); coding-DNA position 1627, G replaced by A.
Protein change: p.Gly543Arg; replaces glycine 543 with arginine.
Molecular consequence: missense variant.
Genome position (GRCh38, 1-based): chr7:148,789,779, G>A. VCF-style: chr7-148789779-G-A. GRCh37 (hg19) VCF-style: chr7-148486871-G-A.
Other names: c.1627G>A, p.Gly543Arg (NM_001370660.1, NM_001370661.1, NM_001370662.1 and 2 more transcripts); short protein forms G543R.
Identifiers: ClinVar variation 2658138 (VCV002658138.24), dbSNP rs2536129562, ClinGen allele CA369709994.